The following is an entry in ClinVar:

ClinVar aggregate classification (germline): Uncertain significance. Review status: criteria provided, multiple submitters, no conflicts (2 of 4 stars). 2 submissions from 2 submitters: Uncertain significance (2). Last evaluated 2024-05-20.

Submissions (2):

GeneDx
Classification: Uncertain significance. Last evaluated: 2024-05-20. Review status: criteria provided, single submitter. Criteria: GeneDx Variant Classification Process June 2021. Collection method: clinical testing. Allele origin: germline.
Comment: Not observed at significant frequency in large population cohorts (gnomAD); In silico analysis supports that this missense variant has a deleterious effect on protein structure/function; Has not been previously published as pathogenic or benign to our knowledge; Occurs in the triple helical domain at the Y position in the canonical Gly-X-Y repeat; although this variant may have an effect on normal protein folding and function, missense substitution at the Y position is not a common mechanism of disease

Labcorp Genetics (formerly Invitae), Labcorp
Classification: Uncertain significance. Last evaluated: 2022-09-13. Review status: criteria provided, single submitter. Criteria: Invitae Variant Classification Sherloc (09022015). Collection method: clinical testing. Allele origin: germline.
Comment: This sequence change replaces proline, which is neutral and non-polar, with arginine, which is basic and polar, at codon 775 of the COL4A1 protein (p.Pro775Arg). This variant is not present in population databases (gnomAD no frequency). This variant has not been reported in the literature in individuals affected with COL4A1-related conditions. Algorithms developed to predict the effect of missense changes on protein structure and function are either unavailable or do not agree on the potential impact of this missense change (SIFT: "Deleterious"; PolyPhen-2: "Benign"; Align-GVGD: "Class C0"). In summary, the available evidence is currently insufficient to determine the role of this variant in disease. Therefore, it has been classified as a Variant of Uncertain Significance.

NM_001845.6(COL4A1):c.2324C>G (p.Pro775Arg)

Gene: COL4A1 (collagen type IV alpha 1 chain; minus strand). Cytogenetic location: 13q34.
Variant type: single nucleotide variant.
Coding change: c.2324C>G on transcript NM_001845.6 (MANE Select); coding-DNA position 2324, C replaced by G.
Protein change: p.Pro775Arg; replaces proline 775 with arginine.
Molecular consequence: missense variant.
Genome position (GRCh38, 1-based): chr13:110,179,291, G>C on the plus strand (C>G on the coding strand, the complement: COL4A1 is on the minus strand). VCF-style: chr13-110179291-G-C. GRCh37 (hg19) VCF-style: chr13-110831638-G-C.
Other names: short protein forms P775R.
Identifiers: ClinVar variation 1707909 (VCV001707909.8), dbSNP rs1183700007, ClinGen allele CA388668565.